The following is an entry in ClinVar:

NM_017433.5(MYO3A):c.731+4A>G

Gene: MYO3A (myosin IIIA; plus strand). Cytogenetic location: 10p12.1.
Variant type: single nucleotide variant.
Coding change: c.731+4A>G on transcript NM_017433.5 (MANE Select); 4 bases into the intron after coding-DNA position 731, A replaced by G.
Molecular consequence: intron variant. On other transcripts: synonymous variant (1).
Genome position (GRCh38, 1-based): chr10:26,021,652, A>G. VCF-style: chr10-26021652-A-G. GRCh37 (hg19) VCF-style: chr10-26310581-A-G.
Other names: c.735A>G, p.Ser245= (NM_001368265.1).
Identifiers: ClinVar variation 4798698 (VCV004798698.1).
Genomic context (GRCh38, chr10:26,021,652, plus strand): 5'-TGGAGATCCTCCACTAGCTGACCTTCATCCCATGAGAGCACTCTTCAAAATACCAAGGTC[A>G]GATGACTAACATTGGGTCCAGTATCTGCAGCCCGATTTACTTCCTCCAGCCACCAAGTGT-3'

ClinVar aggregate classification (germline): Uncertain significance (1 of 4 stars; one submission).

gnomAD v4.1: 1 of 1,614,112 alleles (0.000062%); highest among the groups gnomAD compares: Admixed American, 0.0017%; no homozygotes.

Submission:

Labcorp Genetics (formerly Invitae), Labcorp
Classification: Uncertain significance. Last evaluated: 2025-07-23. Review status: criteria provided, single submitter. Criteria: Invitae Variant Classification Sherloc (09022015). Collection method: clinical testing. Allele origin: germline.
Comment: This sequence change falls in intron 8 of the MYO3A gene. It does not directly change the encoded amino acid sequence of the MYO3A protein. It affects a nucleotide within the consensus splice site. This variant is present in population databases (no rsID available, gnomAD 0.003%). This variant has not been reported in the literature in individuals affected with MYO3A-related conditions. Variants that disrupt the consensus splice site are a relatively common cause of aberrant splicing (PMID: 17576681, 9536098). Algorithms developed to predict the effect of sequence changes on RNA splicing suggest that this variant may disrupt the consensus splice site. In summary, the available evidence is currently insufficient to determine the role of this variant in disease. Therefore, it has been classified as a Variant of Uncertain Significance.

Literature cited by the submitters: PubMed 17576681; PubMed 9536098.